The following is an entry in ClinVar:

ClinVar aggregate classification (germline): Pathogenic. Review status: criteria provided, multiple submitters, no conflicts (2 of 4 stars). 3 submissions from 3 submitters: Pathogenic (2). 1 of the submissions does not count toward it. Last evaluated 2026-01-13.

Conditions:
Early-infantile DEE. Also called: Early infantile epileptic encephalopathy with suppression bursts; Early infantile epileptic encephalopathy; Ohtahara syndrome. Identifiers: Orphanet 1934, MedGen C0393706, MONDO:0800491.
KCNQ2-Related Disorders. Also called: KCNQ2-related disorder; KCNQ2-related condition. Identifiers: MedGen CN169299.
Developmental and epileptic encephalopathy, 7 (DEE7). Also called: KCNQ2-Related Neonatal-Onset Developmental and Epileptic Encephalopathy (NEO-DEE); Early infantile epileptic encephalopathy 7; KCNQ2-Related Neonatal Epileptic Encephalopathy. Identifiers: Orphanet 439218, MedGen C3150986, MONDO:0013387, OMIM 613720.

Submissions (3):

Labcorp Genetics (formerly Invitae), Labcorp
Classification: Pathogenic for Early-infantile DEE. Last evaluated: 2026-01-13. Review status: criteria provided, single submitter. Criteria: Invitae Variant Classification Sherloc (09022015). Collection method: clinical testing. Allele origin: germline.
Comment: This sequence change creates a premature translational stop signal (p.Glu17*) in the KCNQ2 gene. It is expected to result in an absent or disrupted protein product. Loss-of-function variants in KCNQ2 are known to be pathogenic (PMID: 14534157, 23692823, 27779742). This variant is not present in population databases (gnomAD no frequency). This variant has not been reported in the literature in individuals affected with KCNQ2-related conditions. ClinVar contains an entry for this variant (Variation ID: 1676605). For these reasons, this variant has been classified as Pathogenic.

Blueprint Genetics
Classification: Pathogenic for KCNQ2-related disorders. Last evaluated: 2022-10-07. Review status: criteria provided, single submitter. Criteria: ACMG Guidelines, 2015. Collection method: clinical testing. Allele origin: germline. Affected: yes. Observed: 1 variant allele.

Cytogénomique, Hospices Civils de Lyon
Classification: Likely pathogenic for Developmental and epileptic encephalopathy, 7. Review status: no assertion criteria provided. Collection method: clinical testing. Allele origin: maternal. Inheritance: Autosomal dominant inheritance. Affected: yes. Not counted in ClinVar's aggregate classification.

Literature cited by the submitters: PubMed 14534157 (cited by Labcorp Genetics (formerly Invitae), Labcorp); PubMed 23692823 (cited by Labcorp Genetics (formerly Invitae), Labcorp); PubMed 27779742 (cited by Labcorp Genetics (formerly Invitae), Labcorp).

NM_172107.4(KCNQ2):c.49G>T (p.Glu17Ter)

Gene: KCNQ2 (potassium voltage-gated channel subfamily Q member 2; minus strand). Cytogenetic location: 20q13.33.
Variant type: single nucleotide variant.
Coding change: c.49G>T on transcript NM_172107.4 (MANE Select); coding-DNA position 49, G replaced by T.
Protein change: p.Glu17Ter; replaces glutamic acid 17 with a stop codon.
Molecular consequence: nonsense.
Genome position (GRCh38, 1-based): chr20:63,472,415, C>A on the plus strand (G>T on the coding strand, the complement: KCNQ2 is on the minus strand). VCF-style: chr20-63472415-C-A. GRCh37 (hg19) VCF-style: chr20-62103768-C-A.
Other names: c.49G>T, p.Glu17Ter (NM_001382235.1, NM_004518.6, NM_172106.3 and 2 more transcripts); short protein forms E17*.
Identifiers: ClinVar variation 1676605 (VCV001676605.3), dbSNP rs2145922320, ClinGen allele CA409636086.